The following is an entry in ClinVar:

ClinVar aggregate classification (germline): Conflicting classifications of pathogenicity. Review status: criteria provided, conflicting classifications (1 of 4 stars). 2 submissions from 2 submitters: Uncertain significance (1); Likely benign (1). Last evaluated 2023-11-02.

Conditions:
Hearing loss, autosomal dominant 34, with or without inflammation. Also called: DEAFNESS, AUTOSOMAL DOMINANT 34, WITH OR WITHOUT INFLAMMATION. Identifiers: MedGen C4521680, MONDO:0033261, OMIM 617772.
Cryopyrin associated periodic syndrome (CAPS). Identifiers: Orphanet 208650, MedGen C2316212, MONDO:0016168.

Allele frequency attached by ClinVar (database versions not stated): gnomAD 0.00001.
gnomAD v4.1: 30 of 1,614,118 alleles (0.0019%); highest among the groups gnomAD compares: South Asian, 0.031%; no homozygotes.

Submissions (2):

Labcorp Genetics (formerly Invitae), Labcorp
Classification: Likely benign for Cryopyrin associated periodic syndrome. Last evaluated: 2023-11-02. Review status: criteria provided, single submitter. Criteria: Invitae Variant Classification Sherloc (09022015). Collection method: clinical testing. Allele origin: germline.

UAEU Genomics Laboratory, United Arab Emirates University
Classification: Uncertain significance for Hearing loss, autosomal dominant 34, with or without inflammation. Last evaluated: 2021-12-28. Review status: criteria provided, single submitter. Criteria: ACMG Guidelines, 2015. Collection method: research. Allele origin: germline. Affected: yes. Observed: 1 variant allele.
Comment: The missense variant NM_004895.5(NLRP3):c.2636C>G (p.Ala879Gly) has not been reported previously as a pathogenic variant nor as a benign variant, to our knowledge. The p.Ala879Gly variant is novel (not in any individuals) in 1kG. There is a small physicochemical difference between alanine and glycine, which is not likely to impact secondary protein structure as these residues share similar properties. In summary, the available evidence is currently insufficient to determine the role of this variant in disease.For these reasons, this variant has been classified as Uncertain Significance.

NM_001243133.2(NLRP3):c.2630C>G (p.Ala877Gly)

Gene: NLRP3 (NLR family pyrin domain containing 3; plus strand). Cytogenetic location: 1q44.
Variant type: single nucleotide variant.
Coding change: c.2630C>G on transcript NM_001243133.2 (MANE Select); coding-DNA position 2630, C replaced by G.
Protein change: p.Ala877Gly; replaces alanine 877 with glycine.
Molecular consequence: missense variant. On other transcripts: genic downstream transcript variant (2).
Genome position (GRCh38, 1-based): chr1:247,436,107, C>G. VCF-style: chr1-247436107-C-G. GRCh37 (hg19) VCF-style: chr1-247599409-C-G.
Other names: c.2321+1834C>G (NM_183395.3); c.2630C>G, p.Ala877Gly (NM_001079821.3); c.2459C>G, p.Ala820Gly (NM_001127462.3); c.2636C>G, p.Ala879Gly (NM_004895.5); c.2492+1834C>G (NM_001127461.3); short protein forms A820G, A877G, A879G.
Identifiers: ClinVar variation 2502900 (VCV002502900.5), dbSNP rs749903532, ClinGen allele CA1495312.
Genomic context (GRCh38, chr1:247,436,107, plus strand): 5'-GACTCTATGTGGGGGAGAATGCCTTGGGAGACTCAGGAGTCGCAATTTTATGTGAAAAAG[C>G]CAAGAATCCACAGTGTAACCTGCAGAAACTGGGGTAAGTCTTCATGGGTGTCTTACCAGA-3'
Protein context (NP_001230062.1, residues 867-887): DSGVAILCEK[Ala877Gly]KNPQCNLQKL